The following is an entry in ClinVar:

NM_032776.3(JMJD1C):c.4342T>G (p.Cys1448Gly)

Gene: JMJD1C (jumonji domain containing 1C; minus strand). Cytogenetic location: 10q21.3.
Variant type: single nucleotide variant.
Coding change: c.4342T>G on transcript NM_032776.3 (MANE Select); coding-DNA position 4342, T replaced by G.
Protein change: p.Cys1448Gly; replaces cysteine 1448 with glycine.
Molecular consequence: missense variant. On other transcripts: non-coding transcript variant (1).
Genome position (GRCh38, 1-based): chr10:63,207,327, A>C on the plus strand (T>G on the coding strand, the complement: JMJD1C is on the minus strand). VCF-style: chr10-63207327-A-C. GRCh37 (hg19) VCF-style: chr10-64967087-A-C.
Other names: c.3796T>G, p.Cys1266Gly (NM_001282948.2, NM_001318154.2); c.3478T>G, p.Cys1160Gly (NM_001318153.2); c.4228T>G, p.Cys1410Gly (NM_001322252.2); c.3685T>G, p.Cys1229Gly (NM_001322254.2, NM_001322258.2); short protein forms C1160G, C1448G, C1410G, C1229G, C1266G.
Identifiers: ClinVar variation 2057632 (VCV002057632.4), dbSNP rs370840996, ClinGen allele CA5518287.
Genomic context (GRCh38, chr10:63,207,327, plus strand): 5'-GAACAACACTTCCTGTCTTACTACTGGCTAATGTAACTGGTGCTGTGGTGCTGACCTTGC[A>C]TTCTTGTTTTTGAGCCACTGGCTGACTGACACTTTTTGAAGATACACATTCTGATGATGT-3'
Protein context (NP_116165.1, residues 1438-1458): VSQPVAQKQE[Cys1448Gly]KVSTTAPVTL

ClinVar aggregate classification (germline): Uncertain significance (1 of 4 stars; one submission).

Conditions:
Early Myoclonic Encephalopathy. Identifiers: MedGen C0270855.

gnomAD v4.1: 9 of 1,613,502 alleles (0.00056%); highest among the groups gnomAD compares: African/African-American, 0.012%; no homozygotes.

Submission:

Labcorp Genetics (formerly Invitae), Labcorp
Classification: Uncertain significance for Early Myoclonic Encephalopathy. Last evaluated: 2023-08-17. Review status: criteria provided, single submitter. Criteria: Invitae Variant Classification Sherloc (09022015). Collection method: clinical testing. Allele origin: germline.
Comment: This sequence change replaces cysteine, which is neutral and slightly polar, with glycine, which is neutral and non-polar, at codon 1448 of the JMJD1C protein (p.Cys1448Gly). This variant is present in population databases (rs370840996, gnomAD 0.01%). This variant has not been reported in the literature in individuals affected with JMJD1C-related conditions. ClinVar contains an entry for this variant (Variation ID: 2057632). Advanced modeling of protein sequence and biophysical properties (such as structural, functional, and spatial information, amino acid conservation, physicochemical variation, residue mobility, and thermodynamic stability) performed at Invitae indicates that this missense variant is not expected to disrupt JMJD1C protein function. In summary, the available evidence is currently insufficient to determine the role of this variant in disease. Therefore, it has been classified as a Variant of Uncertain Significance.